The following is an entry in ClinVar:

NM_001368894.2(PAX6):c.1195C>T (p.Pro399Ser)

Gene: PAX6 (paired box 6; minus strand). Cytogenetic location: 11p13.
Variant type: single nucleotide variant.
Coding change: c.1195C>T on transcript NM_001368894.2 (MANE Select); coding-DNA position 1195, C replaced by T.
Protein change: p.Pro399Ser; replaces proline 399 with serine.
Molecular consequence: missense variant. On other transcripts: non-coding transcript variant (1), intron variant (9).
Genome position (GRCh38, 1-based): chr11:31,790,740, G>A on the plus strand (C>T on the coding strand, the complement: PAX6 is on the minus strand). VCF-style: chr11-31790740-G-A. GRCh37 (hg19) VCF-style: chr11-31812288-G-A.
Other names: c.1153C>T, p.Pro385Ser (NM_000280.6, NM_001127612.3, NM_001258464.2 and 6 more transcripts); c.1195C>T, p.Pro399Ser (NM_001258462.3, NM_001258463.2, NM_001310158.2 and 3 more transcripts); c.745C>T, p.Pro249Ser (NM_001310160.2, NM_001310161.3, NM_001368899.2 and 10 more transcripts); c.1396C>T, p.Pro466Ser (NM_001368910.2); c.1270C>T, p.Pro424Ser (NM_001368918.2, NM_001368919.2); c.1228C>T, p.Pro410Ser (NM_001368920.2); c.994C>T, p.Pro332Ser (NM_001368922.2, NM_001368923.2, NM_001368924.2 and 3 more transcripts); c.952C>T, p.Pro318Ser (NM_001368928.2); and 6 more; short protein forms P385S, P424S, P184S, P332S, P318S, P399S, P466S, P249S.
Identifiers: ClinVar variation 4792961 (VCV004792961.1).

ClinVar aggregate classification (germline): Uncertain significance (1 of 4 stars; one submission).

Conditions:
Aniridia 1 (AN1). Identifiers: Orphanet 250923, MedGen C0344542, MONDO:0024507, OMIM 106210.
Irido-corneo-trabecular dysgenesis (ASGD5). Also called: ANTERIOR SEGMENT DYSGENESIS 5. Identifiers: Orphanet 708, MedGen C0344559, MONDO:0011414, OMIM 604229, HP:0000659.

Submission:

Labcorp Genetics (formerly Invitae), Labcorp
Classification: Uncertain significance for Aniridia 1; Irido-corneo-trabecular dysgenesis. Last evaluated: 2025-10-21. Review status: criteria provided, single submitter. Criteria: Invitae Variant Classification Sherloc (09022015). Collection method: clinical testing. Allele origin: germline.
Comment: This sequence change replaces proline, which is neutral and non-polar, with serine, which is neutral and polar, at codon 385 of the PAX6 protein (p.Pro385Ser). This variant is not present in population databases (gnomAD no frequency). This variant has not been reported in the literature in individuals affected with PAX6-related conditions. Invitae Evidence Modeling of protein sequence and biophysical properties (such as structural, functional, and spatial information, amino acid conservation, physicochemical variation, residue mobility, and thermodynamic stability) indicates that this missense variant is not expected to disrupt PAX6 protein function with a negative predictive value of 95%. In summary, the available evidence is currently insufficient to determine the role of this variant in disease. Therefore, it has been classified as a Variant of Uncertain Significance.